The following is an entry in ClinVar:

NM_020771.4(HACE1):c.2482A>G (p.Arg828Gly)

Gene: HACE1 (HECT domain and ankyrin repeat containing E3 ubiquitin protein ligase 1; minus strand). Cytogenetic location: 6q16.3.
Variant type: single nucleotide variant.
Coding change: c.2482A>G on transcript NM_020771.4 (MANE Select); coding-DNA position 2482, A replaced by G.
Protein change: p.Arg828Gly; replaces arginine 828 with glycine.
Molecular consequence: missense variant. On other transcripts: non-coding transcript variant (7).
Genome position (GRCh38, 1-based): chr6:104,744,191, T>C on the plus strand (A>G on the coding strand, the complement: HACE1 is on the minus strand). VCF-style: chr6-104744191-T-C. GRCh37 (hg19) VCF-style: chr6-105192066-T-C.
Other names: c.2350A>G, p.Arg784Gly (NM_001321080.2); c.2380A>G, p.Arg794Gly (NM_001321083.2); c.1978A>G, p.Arg660Gly (NM_001321084.2, NM_001350557.2, NM_001350558.2); c.2248A>G, p.Arg750Gly (NM_001350554.2); c.2191A>G, p.Arg731Gly (NM_001350555.2); c.1996A>G, p.Arg666Gly (NM_001350556.2); c.1900A>G, p.Arg634Gly (NM_001350559.2); c.1699A>G, p.Arg567Gly (NM_001350560.2); short protein forms R567G, R634G, R660G, R666G, R731G, R750G, R784G, R794G.
Identifiers: ClinVar variation 3370721 (VCV003370721.1).

ClinVar aggregate classification (germline): Uncertain significance (1 of 4 stars; one submission).

Submission:

GeneDx
Classification: Uncertain significance. Last evaluated: 2024-03-09. Review status: criteria provided, single submitter. Criteria: GeneDx Variant Classification Process June 2021. Collection method: clinical testing. Allele origin: germline. Affected: yes.
Comment: Not observed at significant frequency in large population cohorts (gnomAD); In silico analysis supports that this missense variant has a deleterious effect on protein structure/function; Has not been previously published as pathogenic or benign to our knowledge